The following is an entry in ClinVar:

ClinVar aggregate classification (germline): Uncertain significance (1 of 4 stars; one submission).

Conditions:
Cardiovascular phenotype. Identifiers: MedGen CN230736.

Submission:

Ambry Genetics
Classification: Uncertain significance for Cardiovascular phenotype. Last evaluated: 2019-06-27. Review status: criteria provided, single submitter. Criteria: Ambry Variant Classification Scheme 2023. Collection method: clinical testing. Allele origin: germline.
Comment: The p.K178N variant (also known as c.534G>T), located in coding exon 7 of the TNNI3 gene, results from a G to T substitution at nucleotide position 534. The lysine at codon 178 is replaced by asparagine, an amino acid with similar properties. This amino acid position is highly conserved in available vertebrate species. In addition, the in silico prediction for this alteration is inconclusive. Since supporting evidence is limited at this time, the clinical significance of this alteration remains unclear.

NM_000363.5(TNNI3):c.534G>T (p.Lys178Asn)

Gene: TNNI3 (troponin I3, cardiac type; minus strand). Cytogenetic location: 19q13.42.
Variant type: single nucleotide variant.
Coding change: c.534G>T on transcript NM_000363.5 (MANE Select); coding-DNA position 534, G replaced by T.
Protein change: p.Lys178Asn; replaces lysine 178 with asparagine.
Molecular consequence: missense variant.
Genome position (GRCh38, 1-based): chr19:55,154,045, C>A on the plus strand (G>T on the coding strand, the complement: TNNI3 is on the minus strand). VCF-style: chr19-55154045-C-A. GRCh37 (hg19) VCF-style: chr19-55665413-C-A.
Other names: short protein forms K178N.
Identifiers: ClinVar variation 1747004 (VCV001747004.2), dbSNP rs1394531956, ClinGen allele CA407440244.